The following is an entry in ClinVar:

ClinVar aggregate classification (germline): Uncertain significance (1 of 4 stars; one submission).

Submission:

GeneDx
Classification: Uncertain significance. Last evaluated: 2023-02-14. Review status: criteria provided, single submitter. Criteria: GeneDx Variant Classification Process June 2021. Collection method: clinical testing. Allele origin: germline. Affected: yes.
Comment: Not observed at significant frequency in large population cohorts (gnomAD); In silico analysis supports that this missense variant does not alter protein structure/function; Has not been previously published as pathogenic or benign to our knowledge

NM_001378452.1(ITPR1):c.5375C>T (p.Ser1792Phe)

Gene: ITPR1 (inositol 1,4,5-trisphosphate receptor type 1; plus strand). Cytogenetic location: 3p26.1.
Variant type: single nucleotide variant.
Coding change: c.5375C>T on transcript NM_001378452.1 (MANE Select); coding-DNA position 5375, C replaced by T.
Protein change: p.Ser1792Phe; replaces serine 1792 with phenylalanine.
Molecular consequence: missense variant.
Genome position (GRCh38, 1-based): chr3:4,735,185, C>T. VCF-style: chr3-4735185-C-T. GRCh37 (hg19) VCF-style: chr3-4776869-C-T.
Other names: c.5231C>T, p.Ser1744Phe (NM_001099952.4); c.5330C>T, p.Ser1777Phe (NM_001168272.2); c.5186C>T, p.Ser1729Phe (NM_002222.7); short protein forms S1729F, S1744F, S1777F, S1792F.
Identifiers: ClinVar variation 2575679 (VCV002575679.1), dbSNP rs2043187279, ClinGen allele CA351638927.